The following is an entry in ClinVar:

NM_005026.5(PIK3CD):c.2698A>G (p.Met900Val)

Gene: PIK3CD (phosphatidylinositol-4,5-bisphosphate 3-kinase catalytic subunit delta; plus strand). Cytogenetic location: 1p36.22.
Variant type: single nucleotide variant.
Coding change: c.2698A>G on transcript NM_005026.5 (MANE Select); coding-DNA position 2698, A replaced by G.
Protein change: p.Met900Val; replaces methionine 900 with valine.
Molecular consequence: missense variant.
Genome position (GRCh38, 1-based): chr1:9,724,072, A>G. VCF-style: chr1-9724072-A-G. GRCh37 (hg19) VCF-style: chr1-9784130-A-G.
Other names: c.2698A>G (LRG_191t1); c.2695A>G, p.Met899Val (NM_001350234.2); c.2611A>G, p.Met871Val (NM_001350235.1); short protein forms M900V, M871V, M899V.
Identifiers: ClinVar variation 474027 (VCV000474027.9), dbSNP rs1553171728, ClinGen allele CA338307772.

ClinVar aggregate classification (germline): Uncertain significance (1 of 4 stars; one submission).

Conditions:
Immunodeficiency 14 (IMD14A). Also called: IMMUNODEFICIENCY 14A WITH LYMPHOPROLIFERATION, AUTOSOMAL DOMINANT; ACTIVATED PI3K-DELTA SYNDROME 1; p110-DELTA-ACTIVATING MUTATION CAUSING SENESCENT T CELLS, LYMPHADENOPATHY, AND IMMUNODEFICIENCY; Activated PI3K Delta Syndrome Type 1 (APDS1). Identifiers: Orphanet 397596, Orphanet 693661, MedGen C5907821, MONDO:0014222, OMIM 615513.

Submission:

Labcorp Genetics (formerly Invitae), Labcorp
Classification: Uncertain significance for Activated PI3K-delta syndrome. Last evaluated: 2025-04-17. Review status: criteria provided, single submitter. Criteria: Invitae Variant Classification Sherloc (09022015). Collection method: clinical testing. Allele origin: germline.
Comment: This sequence change replaces methionine, which is neutral and non-polar, with valine, which is neutral and non-polar, at codon 900 of the PIK3CD protein (p.Met900Val). This variant is not present in population databases (gnomAD no frequency). This missense change has been observed in individual(s) with activated PI3K delta syndrome (PMID: 35753512). ClinVar contains an entry for this variant (Variation ID: 474027). Invitae Evidence Modeling of protein sequence and biophysical properties (such as structural, functional, and spatial information, amino acid conservation, physicochemical variation, residue mobility, and thermodynamic stability) indicates that this missense variant is expected to disrupt PIK3CD protein function with a positive predictive value of 80%. In summary, the available evidence is currently insufficient to determine the role of this variant in disease. Therefore, it has been classified as a Variant of Uncertain Significance.

Literature cited by the submitters: PubMed 35753512.